The following is an entry in ClinVar:

NC_000002.12:g.(?_73603231)_(73609622_?)del

Gene: ALMS1 (ALMS1 centrosome and basal body associated protein; plus strand). Cytogenetic location: 2p13.1.
Variant type: Deletion.
Identifiers: ClinVar variation 830418 (VCV000830418.1).

ClinVar aggregate classification (germline): Uncertain significance (1 of 4 stars; one submission).

Conditions:
Alstrom syndrome (ALMS). Identifiers: Orphanet 64, MedGen C0268425, MONDO:0008763, OMIM 203800.

Submission:

Labcorp Genetics (formerly Invitae), Labcorp
Classification: Uncertain significance for Alstrom syndrome. Last evaluated: 2019-04-09. Review status: criteria provided, single submitter. Criteria: Invitae Variant Classification Sherloc (09022015). Collection method: clinical testing. Allele origin: germline.
Comment: This variant is a gross deletion of the genomic region encompassing exons 21-23 of the ALMS1 gene. The 5' boundary is likely confined to intron 21. The 3' end of this event is unknown as it extends through the termination codon beyond the assayed region for this gene and may encompass additional genes. While this deletion is not anticipated to result in nonsense mediated decay, it is expected to create a truncated protein product or disrupt mRNA translation. This variant has not been reported in the literature in individuals with ALMS1-related conditions. Experimental studies and prediction algorithms are not available for this variant, and the functional significance of the affected amino acid(s) is currently unknown. In summary, the available evidence is currently insufficient to determine the role of this variant in disease. Therefore, it has been classified as a Variant of Uncertain Significance.